The following is an entry in ClinVar:

NM_002880.4(RAF1):c.769T>C (p.Ser257Pro)

Gene: RAF1 (Raf-1 proto-oncogene, serine/threonine kinase; minus strand). Cytogenetic location: 3p25.2.
Variant type: single nucleotide variant.
Coding change: c.769T>C on transcript NM_002880.4 (MANE Select); coding-DNA position 769, T replaced by C.
Protein change: p.Ser257Pro; replaces serine 257 with proline.
Molecular consequence: missense variant. On other transcripts: non-coding transcript variant (3).
Genome position (GRCh38, 1-based): chr3:12,604,201, A>G on the plus strand (T>C on the coding strand, the complement: RAF1 is on the minus strand). VCF-style: chr3-12604201-A-G. GRCh37 (hg19) VCF-style: chr3-12645700-A-G.
Other names: p.S257P:TCG>CCG; NM_002880.3(RAF1):c.769T>C; c.769T>C, p.Ser257Pro (NM_001354689.3, NM_001354690.3); c.526T>C, p.Ser176Pro (NM_001354691.3, NM_001354692.3, NM_001354694.3); c.670T>C, p.Ser224Pro (NM_001354693.3); c.427T>C, p.Ser143Pro (NM_001354695.3); short protein forms S257P, S176P, S143P, S224P.
Identifiers: ClinVar variation 40600 (VCV000040600.12), dbSNP rs727505017, ClinGen allele CA184835.
Genomic context (GRCh38, chr3:12,604,201, plus strand): 5'-TCATCCTGCTGTCCACAGGCAGGGTGGTGCTGACCATGTGGACATTAGGTGTGGATGTCG[A>G]CCTCTGCCTCTGGGAGAGGGAACCTTCAGATGAGGGACTGGAGGTGTTAAAGGTGAAGGC-3'
Protein context (NP_002871.1, residues 247-267): SEGSLSQRQR[Ser257Pro]TSTPNVHMVS

ClinVar aggregate classification (germline): Likely pathogenic. Review status: reviewed by expert panel (3 of 4 stars). 4 submissions from 4 submitters: Likely pathogenic (1). 3 of the submissions do not count toward it. Last evaluated 2017-04-03.

Conditions:
RASopathy. Also called: Noonan spectrum disorder; rasopathies. Identifiers: Orphanet 536391, MedGen C5555857, MONDO:0021060.
Noonan syndrome (NS). Also called: Noonan's syndrome. Identifiers: Orphanet 648, MedGen C0028326, MeSH D009634, MONDO:0018997. Disease mechanism: gain of function.

Allele frequency attached by ClinVar (database versions not stated): gnomAD exomes below 0.00001.
gnomAD v4.1: 1 of 1,613,944 alleles (0.000062%); highest among the groups gnomAD compares: Non-Finnish European, 0.000085%; no homozygotes.

Submissions (4):

ClinGen RASopathy Variant Curation Expert Panel
Classification: Likely pathogenic for Noonan syndrome and Noonan-related syndrome. Last evaluated: 2017-04-03. Review status: reviewed by expert panel. Criteria: ClinGen RASopathy ACMG Specifications v1. Collection method: curation. Allele origin: germline. Inheritance: Autosomal dominant inheritance.
Comment: The c.769T>C (p.Ser257Pro) variant in RAF1 has been reported in the literature as an unconfirmed de novo occurrence in a patient with clinical features of a RASopathy (PM6; GeneDx, Partners LMM, Blueprint Genetics internal data; GTR ID: 26957, 21766, 500188; ClinVar SCV000209015.8, SCV000206160.4, SCV000264162.1). This variant was absent from large population studies (PM2; ExAC). A different pathogenic missense variant has been previously identified at this codon of RAF1 which may indicate that this residue is critical to the function of the protein (PM5; ClinVar 13957, 376514). Furthermore, the variant is in a location that has been defined by the ClinGen RASopathy Expert Panel to be a mutational hotspot or domain of RAF1 (PM1; PMID 29493581). Computational prediction tools and conservation analysis suggest that the p.Ser257Pro variant may impact the protein (PP3). In summary, this variant meets criteria to be classified as likely pathogenic for RASopathies in an autosomal dominant manner. RASopathy-specific ACMG/AMP criteria applied (PMID:29493581): PM6, PM2, PM5, PM1, PP2, PP3.

Labcorp Genetics (formerly Invitae), Labcorp
Classification: Likely pathogenic for RASopathy. Last evaluated: 2023-12-12. Review status: criteria provided, single submitter. Criteria: Invitae Variant Classification Sherloc (09022015). Collection method: clinical testing. Allele origin: germline. Not counted in ClinVar's aggregate classification.
Comment: This sequence change replaces serine, which is neutral and polar, with proline, which is neutral and non-polar, at codon 257 of the RAF1 protein (p.Ser257Pro). This variant is not present in population databases (gnomAD no frequency). This missense change has been observed in individual(s) with hypertrophic cardiomyopathy and/or Noonan syndrome (PMID: 20186801, 30762279, 33673806). ClinVar contains an entry for this variant (Variation ID: 40600). Advanced modeling of protein sequence and biophysical properties (such as structural, functional, and spatial information, amino acid conservation, physicochemical variation, residue mobility, and thermodynamic stability) performed at Invitae indicates that this missense variant is expected to disrupt RAF1 protein function with a positive predictive value of 95%. This variant disrupts the p.Ser257 amino acid residue in RAF1. Other variant(s) that disrupt this residue have been determined to be pathogenic (PMID: 17603482, 17603483, 20052757, 22389993, 23877478). This suggests that this residue is clinically significant, and that variants that disrupt this residue are likely to be disease-causing. In summary, the currently available evidence indicates that the variant is pathogenic, but additional data are needed to prove that conclusively. Therefore, this variant has been classified as Likely Pathogenic.

GeneDx
Classification: Likely pathogenic. Last evaluated: 2019-03-19. Review status: criteria provided, single submitter. Criteria: GeneDx Variant Classification (06012015). Collection method: clinical testing. Allele origin: germline. Affected: yes. Not counted in ClinVar's aggregate classification.
Comment: The S257P variant in the RAF1 gene has not been published as a pathogenic variant or as a benign polymorphism, to our knowledge. However, S257P has been observed several times in samples submitted for Noonan syndrome testing. In addition, a different missense substitution at the same residue (S257L) has been published in association with Noonan syndrome (Razzaque et al., 2007). S257P is a non-conservative missense mutation that occurs in a highly conserved portion of the RAF1 gene, where many other gain-of-function variants have been reported at residues 256, 259, 260, and 261 in Noonan syndrome (Pandit et al., 2007). Furthermore, the S257P mutation was not observed in approximately 6,500 individuals of European and African American ancestry in the NHLBI Exome Sequencing Project, indicating it is not a common benign variant in these populations. In summary, S257P in the RAF1 gene is interpreted as a likely pathogenic variant.

Laboratory for Molecular Medicine, Mass General Brigham Personalized Medicine
Classification: Pathogenic for Noonan syndrome. Last evaluated: 2016-07-12. Review status: criteria provided, single submitter. Criteria: LMM Criteria. Collection method: clinical testing. Allele origin: germline. Inheritance: Autosomal dominant inheritance. Observed: 1 variant allele. Not counted in ClinVar's aggregate classification.
Comment: The p.Ser257Pro variant in the RAF1 gene has been identified in 6 individuals wi th clinical features of a RASopathy, including as a de novo variant in one indiv idual (LMM data and GeneDx personal communication). This variant was absent from large population studies. In addition, another disease-causing variant (p.Ser25 7Leu) at the same codon has been identified in >20 individuals with a RASopathy (Razzaque 2007, Pandit 2007, LMM data) and studies show it impacts the protein ( Light 2002), suggesting that changes at this position (Ser257) may not be tolera ted. In summary, this variant meets our criteria to be classified as pathogenic for RASopathies in an autosomal dominant manner.

Literature cited by the submitters: PubMed 29493581 (cited by ClinGen RASopathy Variant Curation Expert Panel); PubMed 20186801 (cited by Labcorp Genetics (formerly Invitae), Labcorp); PubMed 30762279 (cited by Labcorp Genetics (formerly Invitae), Labcorp); PubMed 33673806 (cited by Labcorp Genetics (formerly Invitae), Labcorp); PubMed 17603482 (cited by Labcorp Genetics (formerly Invitae), Labcorp and Laboratory for Molecular Medicine, Mass General Brigham Personalized Medicine); PubMed 17603483 (cited by Labcorp Genetics (formerly Invitae), Labcorp and Laboratory for Molecular Medicine, Mass General Brigham Personalized Medicine); PubMed 20052757 (cited by Labcorp Genetics (formerly Invitae), Labcorp); PubMed 22389993 (cited by Labcorp Genetics (formerly Invitae), Labcorp); PubMed 23877478 (cited by Labcorp Genetics (formerly Invitae), Labcorp); PubMed 12077328 (cited by Laboratory for Molecular Medicine, Mass General Brigham Personalized Medicine).